The following is an entry in ClinVar:

ClinVar aggregate classification (germline): Pathogenic (1 of 4 stars; one submission).

Conditions:
Cerebral cavernous malformation (CCM). Also called: CAVERNOUS ANGIOMA, FAMILIAL; CAVERNOUS ANGIOMATOUS MALFORMATIONS; CEREBRAL CAPILLARY MALFORMATIONS; Cavernous Hemangioma of Brain; Cerebral cavernous hemangioma (type); Cerebral cavernous malformations. Identifiers: Orphanet 221061, MedGen C2919945, MONDO:0000820, OMIM 116860, HP:0033522.

Submission:

Labcorp Genetics (formerly Invitae), Labcorp
Classification: Pathogenic for Cerebral cavernous malformation. Last evaluated: 2025-10-21. Review status: criteria provided, single submitter. Criteria: Invitae Variant Classification Sherloc (09022015). Collection method: clinical testing. Allele origin: germline.
Comment: This sequence change creates a premature translational stop signal (p.Ser701Ilefs*7) in the KRIT1 gene. While this is not anticipated to result in nonsense mediated decay, it is expected to disrupt the last 36 amino acid(s) of the KRIT1 protein. This variant is not present in population databases (gnomAD no frequency). This variant has not been reported in the literature in individuals affected with KRIT1-related conditions. ClinVar contains an entry for this variant (Variation ID: 1358522). Algorithms developed to predict the effect of sequence changes on RNA splicing suggest that this variant may disrupt the consensus splice site. This variant disrupts a region of the KRIT1 protein in which other variant(s) (p.Phe708*) have been determined to be pathogenic (internal data). This suggests that this is a clinically significant region of the protein, and that variants that disrupt it are likely to be disease-causing. For these reasons, this variant has been classified as Pathogenic.

NM_194454.3(KRIT1):c.2100_2101dup (p.Ser701fs)

Gene: KRIT1 (KRIT1 ankyrin repeat containing; minus strand). Cytogenetic location: 7q21.2.
Variant type: Duplication.
Coding change: c.2100_2101dup on transcript NM_194454.3 (MANE Select); coding-DNA positions 2100 to 2101, 2 bases duplicated (TA; older notation c.2100_2101dupTA).
Protein change: p.Ser701fs; shifts the reading frame from serine 701.
Molecular consequence: frameshift variant.
Genome position (GRCh38, 1-based): chr7:92,201,348-92,201,349, TA duplicated on the plus strand (TA on the coding strand, the reverse complement: KRIT1 is on the minus strand); duplicating any 2 consecutive bases within chr7:92,201,348-92,201,350 gives the same sequence; the c. name uses the placement nearest the transcript's 3' end. VCF-style (leftmost placement, unchanged base first): chr7-92201347-C-CTA. GRCh37 (hg19) VCF-style: chr7-91830661-C-CTA.
Other names: c.1956_1957dup, p.Ser653fs (NM_001013406.2, NM_001350669.1, NM_001350670.1); c.1386_1387dup, p.Ser463fs (NM_001350671.1); c.2100_2101dup, p.Ser701fs (NM_001350672.1, NM_001350673.1, NM_001350674.1 and 26 more transcripts); short protein forms S463fs, S653fs, S701fs.
Identifiers: ClinVar variation 1358522 (VCV001358522.8), dbSNP rs2131088062, ClinGen allele CA2573142410.